The following is an entry in ClinVar:

ClinVar aggregate classification (germline): Uncertain significance (1 of 4 stars; one submission).

Submission:

Labcorp Genetics (formerly Invitae), Labcorp
Classification: Uncertain significance. Last evaluated: 2022-08-16. Review status: criteria provided, single submitter. Criteria: Invitae Variant Classification Sherloc (09022015). Collection method: clinical testing. Allele origin: germline.
Comment: This variant is not present in population databases (gnomAD no frequency). In summary, the available evidence is currently insufficient to determine the role of this variant in disease. Therefore, it has been classified as a Variant of Uncertain Significance. Algorithms developed to predict the effect of missense changes on protein structure and function (SIFT, PolyPhen-2, Align-GVGD) all suggest that this variant is likely to be tolerated. This variant has not been reported in the literature in individuals affected with SNRNP200-related conditions. This sequence change replaces alanine, which is neutral and non-polar, with threonine, which is neutral and polar, at codon 341 of the SNRNP200 protein (p.Ala341Thr).

NM_014014.5(SNRNP200):c.1021G>A (p.Ala341Thr)

Gene: SNRNP200 (small nuclear ribonucleoprotein U5 subunit 200; minus strand). Cytogenetic location: 2q11.2.
Variant type: single nucleotide variant.
Coding change: c.1021G>A on transcript NM_014014.5 (MANE Select); coding-DNA position 1021, G replaced by A.
Protein change: p.Ala341Thr; replaces alanine 341 with threonine.
Molecular consequence: missense variant.
Genome position (GRCh38, 1-based): chr2:96,298,382, C>T on the plus strand (G>A on the coding strand, the complement: SNRNP200 is on the minus strand). VCF-style: chr2-96298382-C-T. GRCh37 (hg19) VCF-style: chr2-96964120-C-T.
Other names: short protein forms A341T.
Identifiers: ClinVar variation 1974385 (VCV001974385.5), dbSNP rs2063932476, ClinGen allele CA347684430.